The following is an entry in ClinVar:

ClinVar aggregate classification (germline): Likely pathogenic (1 of 4 stars; one submission).

Conditions:
Autosomal recessive limb-girdle muscular dystrophy type 2J (LGMDR10). Also called: Limb-girdle muscular dystrophy, type 2J; MUSCULAR DYSTROPHY, LIMB-GIRDLE, AUTOSOMAL RECESSIVE 10. Identifiers: Orphanet 140922, MedGen C1837342, MONDO:0012127, OMIM 608807.
Dilated cardiomyopathy 1G (CMD1G). Identifiers: Orphanet 154, MedGen C1858763, MONDO:0011400, OMIM 604145.

Submission:

Labcorp Genetics (formerly Invitae), Labcorp
Classification: Likely pathogenic for Dilated cardiomyopathy 1G; Autosomal recessive limb-girdle muscular dystrophy type 2J. Last evaluated: 2022-07-11. Review status: criteria provided, single submitter. Criteria: Invitae Variant Classification Sherloc (09022015). Collection method: clinical testing. Allele origin: germline.
Comment: In summary, the currently available evidence indicates that the variant is pathogenic, but additional data are needed to prove that conclusively. Therefore, this variant has been classified as Likely Pathogenic. Retrotransposon insertions including LINE1 (L1), Alu, and SVA (SINE-VNTR-Alu) have been reported to disrupt protein function (PMID: 19763152, 20307669, 22406018). However the effect of this particular variant is unknown. This variant is located in the A band of TTN (PMID: 25589632). Truncating variants in this region are significantly overrepresented in patients affected with dilated cardiomyopathy (PMID: 25589632). Truncating variants in this region have also been reported in individuals affected with autosomal recessive centronuclear myopathy (PMID: 23975875). This variant has not been reported in the literature in individuals affected with TTN-related conditions. This variant is not present in population databases (gnomAD no frequency). This sequence change inserts a large fragment of DNA, likely a transposable element, in exon 326 of the TTN gene (c.79185_79186ins?), causing a frameshift at codon 26395 (p.Val26395fs). The exact size and sequence of the insertion cannot be determined by the current assay. While this is not anticipated to result in nonsense mediated decay, it is expected to create a truncated TTN protein.

Literature cited by the submitters: PubMed 19763152; PubMed 20307669; PubMed 22406018; PubMed 25589632; PubMed 23975875.

NM_001267550.2(TTN):c.79185_79186insGGCCGGGCGCGGTGGCTCACGCCTGTAATCCCAGCACTTTGGGAGGCCGAGGCGGGCGGATCACGAGGTCANNNNNNNNNNAAAAAAAAAAAAAAAAAAAAAAAAAGCTTGGAAGTC (p.Val26395_Thr26396insGlyArgAlaArgTrpLeuThrProValIleProAlaLeuTrpGluAlaGluAlaGlyGlySerArgGlyXaaXaaXaaXaaLysLysLysLysLysLysLysLysSerLeuGluVal)

Genes: TTN (titin; minus strand), TTN-AS1 (TTN antisense RNA 1; plus strand). Cytogenetic location: 2q31.2.
Variant type: Insertion.
Coding change: c.79185_79186insGGCCGGGCGCGGTGGCTCACGCCTGTAATCCCAGCACTTTGGGAGGCCGAGGCGGGCGGATCACGAGGTCANNNNNNNNNNAAAAAAAAAAAAAAAAAAAAAAAAAGCTTGGAAGTC on transcript NM_001267550.2 (MANE Select); coding-DNA positions 79185 to 79186, GGCCGGGCGCGGTGGCTCACGCCTGTAATCCCAGCACTTTGGGAGGCCGAGGCGGGCGGATCACGAGGTCANNNNNNNNNNAAAAAAAAAAAAAAAAAAAAAAAAAGCTTGGAAGTC inserted.
Protein change: p.Val26395_Thr26396insGlyArgAlaArgTrpLeuThrProValIleProAlaLeuTrpGluAlaGluAlaGlyGlySerArgGlyXaaXaaXaaXaaLysLysLysLysLysLysLysLysSerLeuGluVal.
Molecular consequence: inframe insertion.
Genome position: GRCh38: chr2:178,566,962-178,566,963. GRCh37 (hg19): chr2:179,431,689-179,431,690.
Other names: c.74262_74263insGGCCGGGCGCGGTGGCTCACGCCTGTAATCCCAGCACTTTGGGAGGCCGAGGCGGGCGGATCACGAGGTCANNNNNNNNNNAAAAAAAAAAAAAAAAAAAAAAAAAGCTTGGAAGTC, p.Val24754_Thr24755insGlyArgAlaArgTrpLeuThrProValIleProAlaLeuTrpGluAlaGluAlaGlyGlySerArgGlyXaaXaaXaaXaaLysLysLysLysLysLysLysLysSerLeuGluVal (NM_001256850.1); c.51990_51991insGGCCGGGCGCGGTGGCTCACGCCTGTAATCCCAGCACTTTGGGAGGCCGAGGCGGGCGGATCACGAGGTCANNNNNNNNNNAAAAAAAAAAAAAAAAAAAAAAAAAGCTTGGAAGTC, p.Val17330_Thr17331insGlyArgAlaArgTrpLeuThrProValIleProAlaLeuTrpGluAlaGluAlaGlyGlySerArgGlyXaaXaaXaaXaaLysLysLysLysLysLysLysLysSerLeuGluVal (NM_003319.4); c.71481_71482insGGCCGGGCGCGGTGGCTCACGCCTGTAATCCCAGCACTTTGGGAGGCCGAGGCGGGCGGATCACGAGGTCANNNNNNNNNNAAAAAAAAAAAAAAAAAAAAAAAAAGCTTGGAAGTC, p.Val23827_Thr23828insGlyArgAlaArgTrpLeuThrProValIleProAlaLeuTrpGluAlaGluAlaGlyGlySerArgGlyXaaXaaXaaXaaLysLysLysLysLysLysLysLysSerLeuGluVal (NM_133378.4); c.52365_52366insGGCCGGGCGCGGTGGCTCACGCCTGTAATCCCAGCACTTTGGGAGGCCGAGGCGGGCGGATCACGAGGTCANNNNNNNNNNAAAAAAAAAAAAAAAAAAAAAAAAAGCTTGGAAGTC, p.Val17455_Thr17456insGlyArgAlaArgTrpLeuThrProValIleProAlaLeuTrpGluAlaGluAlaGlyGlySerArgGlyXaaXaaXaaXaaLysLysLysLysLysLysLysLysSerLeuGluVal (NM_133432.3); c.52566_52567insGGCCGGGCGCGGTGGCTCACGCCTGTAATCCCAGCACTTTGGGAGGCCGAGGCGGGCGGATCACGAGGTCANNNNNNNNNNAAAAAAAAAAAAAAAAAAAAAAAAAGCTTGGAAGTC, p.Val17522_Thr17523insGlyArgAlaArgTrpLeuThrProValIleProAlaLeuTrpGluAlaGluAlaGlyGlySerArgGlyXaaXaaXaaXaaLysLysLysLysLysLysLysLysSerLeuGluVal (NM_133437.4).
Identifiers: ClinVar variation 2015991 (VCV002015991.4), dbSNP rs2468305505.